The following is an entry in ClinVar:

NM_002335.4(LRP5):c.4077C>T (p.Pro1359=)

Gene: LRP5 (LDL receptor related protein 5; plus strand). Cytogenetic location: 11q13.2.
Variant type: single nucleotide variant.
Coding change: c.4077C>T on transcript NM_002335.4 (MANE Select); coding-DNA position 4077, C replaced by T.
Protein change: p.Pro1359=; no amino-acid change (proline 1359 retained).
Molecular consequence: synonymous variant.
Genome position (GRCh38, 1-based): chr11:68,436,965, C>T. VCF-style: chr11-68436965-C-T. GRCh37 (hg19) VCF-style: chr11-68204433-C-T.
Other names: c.2334C>T, p.Pro778= (NM_001291902.2); c.4077C>T (NM_002335.3).
Identifiers: ClinVar variation 1088537 (VCV001088537.13), dbSNP rs143482432, ClinGen allele CA6150223.

ClinVar aggregate classification (germline): Likely benign. Review status: criteria provided, multiple submitters, no conflicts (2 of 4 stars). 4 submissions from 4 submitters: Likely benign (3). 1 of the submissions does not count toward it. Last evaluated 2025-10-23.

Conditions:
Exudative vitreoretinopathy 1 (EVR1). Also called: FEVR, AUTOSOMAL DOMINANT; Familial exudative vitreoretinopathy, autosomal dominant; CRISWICK-SCHEPENS SYNDROME. Identifiers: Orphanet 891, Orphanet 90050, MedGen C1851402, MONDO:0007589, OMIM 133780.
Osteoporosis. Identifiers: MedGen C0029456, MONDO:0005298, OMIM 166710, HP:0000939.
Autosomal dominant osteopetrosis 1 (OPTA1). Also called: OSTEOPETROSIS, AUTOSOMAL DOMINANT, TYPE I. Identifiers: Orphanet 2783, MedGen C1843330, MONDO:0011877, OMIM 607634.
Osteoporosis with pseudoglioma (OPPG). Also called: osteoporosis-pseudoglioma syndrome. Identifiers: Orphanet 2788, MedGen C0432252, MONDO:0009820, OMIM 259770.
Polycystic liver disease 4 with or without kidney cysts. Identifiers: MedGen C4693479, MONDO:0044327, OMIM 617875.
Bone mineral density quantitative trait locus 1 (BMND1). Identifiers: MedGen C1866079, OMIM 601884.
Exudative vitreoretinopathy 4 (EVR4). Identifiers: Orphanet 891, MedGen C1866176, MONDO:0011151, OMIM 601813.
Worth disease. Also called: ENDOSTEAL HYPEROSTOSIS, AUTOSOMAL DOMINANT; Autosomal dominant osteosclerosis, Worth type; OSTEOSCLEROSIS, AUTOSOMAL DOMINANT. Identifiers: Orphanet 2790, MedGen C0432273, MONDO:0007764, OMIM 144750.
LRP5-related disorder. Also called: LRP5-related condition.

Allele frequency attached by ClinVar (database versions not stated): gnomAD exomes 0.00006 and 0.00011; ExAC 0.00012; ESP Exome Variant Server 0.00015; gnomAD 0.00018 and 0.00019; TOPMed 0.00023.
gnomAD v4.1: 115 of 1,613,832 alleles (0.0071%); highest among the groups gnomAD compares: Middle Eastern, 0.099%; no homozygotes.

Submissions (4):

Labcorp Genetics (formerly Invitae), Labcorp
Classification: Likely benign. Last evaluated: 2025-10-23. Review status: criteria provided, single submitter. Criteria: Invitae Variant Classification Sherloc (09022015). Collection method: clinical testing. Allele origin: germline.

Blueprint Genetics
Classification: Likely benign. Last evaluated: 2024-08-01. Review status: criteria provided, single submitter. Criteria: ACMG Guidelines, 2015. Collection method: clinical testing. Allele origin: germline.

Fulgent Genetics
Classification: Likely benign for Exudative vitreoretinopathy 1; Worth disease; Osteoporosis; Osteoporosis with pseudoglioma; Exudative vitreoretinopathy 4; Bone mineral density quantitative trait locus 1; Autosomal dominant osteopetrosis 1; Polycystic liver disease 4 with or without kidney cysts. Last evaluated: 2021-09-20. Review status: criteria provided, single submitter. Criteria: ACMG Guidelines, 2015. Collection method: clinical testing. Allele origin: unknown.

PreventionGenetics, part of Exact Sciences
Classification: Likely benign for LRP5-related condition. Last evaluated: 2019-08-02. Review status: no assertion criteria provided. Collection method: clinical testing. Allele origin: germline. Not counted in ClinVar's aggregate classification.
Comment: This variant is classified as likely benign based on ACMG/AMP sequence variant interpretation guidelines (Richards et al. 2015 PMID: 25741868, with internal and published modifications).